The following is an entry in ClinVar:

ClinVar aggregate classification (germline): Likely benign. Review status: criteria provided, multiple submitters, no conflicts (2 of 4 stars). 2 submissions from 2 submitters: Likely benign (2). Last evaluated 2020-09-29.

Submissions (2):

Blueprint Genetics
Classification: Likely benign. Last evaluated: 2020-09-29. Review status: criteria provided, single submitter. Criteria: ACMG Guidelines, 2015. Collection method: clinical testing. Allele origin: germline.

GeneDx
Classification: Likely benign. Last evaluated: 2018-03-08. Review status: criteria provided, single submitter. Criteria: GeneDx Variant Classification (06012015). Collection method: clinical testing. Allele origin: germline. Affected: yes.
Comment: This variant is considered likely benign or benign based on one or more of the following criteria: it is a conservative change, it occurs at a poorly conserved position in the protein, it is predicted to be benign by multiple in silico algorithms, and/or has population frequency not consistent with disease.

NM_002880.4(RAF1):c.678T>G (p.Val226=)

Gene: RAF1 (Raf-1 proto-oncogene, serine/threonine kinase; minus strand). Cytogenetic location: 3p25.2.
Variant type: single nucleotide variant.
Coding change: c.678T>G on transcript NM_002880.4 (MANE Select); coding-DNA position 678, T replaced by G.
Protein change: p.Val226=; no amino-acid change (valine 226 retained).
Molecular consequence: synonymous variant. On other transcripts: non-coding transcript variant (3), intron variant (2).
Genome position (GRCh38, 1-based): chr3:12,606,203, A>C on the plus strand (T>G on the coding strand, the complement: RAF1 is on the minus strand). VCF-style: chr3-12606203-A-C. GRCh37 (hg19) VCF-style: chr3-12647702-A-C.
Other names: c.678T>G, p.Val226= (NM_001354689.3, NM_001354690.3); c.435T>G, p.Val145= (NM_001354691.3, NM_001354692.3, NM_001354694.3); c.339-1914T>G (NM_001354695.3); c.582-1914T>G (NM_001354693.3).
Identifiers: ClinVar variation 515969 (VCV000515969.2), dbSNP rs1553614183, ClinGen allele CA432274519.
Genomic context (GRCh38, chr3:12,606,203, plus strand): 5'-TTCCAACCCCACCACCCCAAATAACTTTCTAAAAGAAAAGCTATAGGTAAAAAATTACCT[A>C]ACAGGCATCCTGGAAACAGACTCTCGCATACGACGCATAGTCAAAGAAGGTAGTGCTGGG-3'
Protein context (NP_002871.1, residues 216-236): RMRESVSRMP[Val226=]SSQHRYSTPH